The following is an entry in ClinVar:

ClinVar aggregate classification (germline): Uncertain significance (1 of 4 stars; one submission).

Allele frequency attached by ClinVar (database versions not stated): TOPMed below 0.00001.

Submission:

Labcorp Genetics (formerly Invitae), Labcorp
Classification: Uncertain significance. Last evaluated: 2024-02-17. Review status: criteria provided, single submitter. Criteria: Invitae Variant Classification Sherloc (09022015). Collection method: clinical testing. Allele origin: germline.
Comment: This sequence change replaces alanine, which is neutral and non-polar, with threonine, which is neutral and polar, at codon 109 of the ABCA1 protein (p.Ala109Thr). This variant is not present in population databases (gnomAD no frequency). This variant has not been reported in the literature in individuals affected with ABCA1-related conditions. ClinVar contains an entry for this variant (Variation ID: 1963622). Advanced modeling of protein sequence and biophysical properties (such as structural, functional, and spatial information, amino acid conservation, physicochemical variation, residue mobility, and thermodynamic stability) performed at Invitae indicates that this missense variant is not expected to disrupt ABCA1 protein function with a negative predictive value of 95%. In summary, the available evidence is currently insufficient to determine the role of this variant in disease. Therefore, it has been classified as a Variant of Uncertain Significance.

NM_005502.4(ABCA1):c.325G>A (p.Ala109Thr)

Gene: ABCA1 (ATP binding cassette subfamily A member 1; minus strand). Cytogenetic location: 9q31.1.
Variant type: single nucleotide variant.
Coding change: c.325G>A on transcript NM_005502.4 (MANE Select); coding-DNA position 325, G replaced by A.
Protein change: p.Ala109Thr; replaces alanine 109 with threonine.
Molecular consequence: missense variant.
Genome position (GRCh38, 1-based): chr9:104,883,135, C>T on the plus strand (G>A on the coding strand, the complement: ABCA1 is on the minus strand). VCF-style: chr9-104883135-C-T. GRCh37 (hg19) VCF-style: chr9-107645416-C-T.
Other names: short protein forms A109T.
Identifiers: ClinVar variation 1963622 (VCV001963622.5), dbSNP rs1387348591, ClinGen allele CA374316087.